The following is an entry in ClinVar:

NM_001079866.2(BCS1L):c.903C>G (p.Tyr301Ter)

Gene: BCS1L (BCS1 ubiquinol-cytochrome c reductase complex chaperone; plus strand). Cytogenetic location: 2q35.
Variant type: single nucleotide variant.
Coding change: c.903C>G on transcript NM_001079866.2 (MANE Select); coding-DNA position 903, C replaced by G.
Protein change: p.Tyr301Ter; replaces tyrosine 301 with a stop codon.
Molecular consequence: nonsense. On other transcripts: non-coding transcript variant (1).
Genome position (GRCh38, 1-based): chr2:218,662,896, C>G. VCF-style: chr2-218662896-C-G. GRCh37 (hg19) VCF-style: chr2-219527619-C-G.
Other names: c.903C>G, p.Tyr301Ter (NM_001257342.2, NM_001257343.2, NM_001257344.2 and 10 more transcripts); c.543C>G, p.Tyr181Ter (NM_001318836.2, NM_001371451.1); c.402C>G, p.Tyr134Ter (NM_001371452.1, NM_001371453.1, NM_001371454.1 and 3 more transcripts); short protein forms Y134*, Y301*, Y181*.
Identifiers: ClinVar variation 959008 (VCV000959008.7), dbSNP rs1939635954, ClinGen allele CA350630725.

ClinVar aggregate classification (germline): Pathogenic (1 of 4 stars; one submission).

Submission:

Labcorp Genetics (formerly Invitae), Labcorp
Classification: Pathogenic. Last evaluated: 2019-07-29. Review status: criteria provided, single submitter. Criteria: Invitae Variant Classification Sherloc (09022015). Collection method: clinical testing. Allele origin: germline.
Comment: This sequence change creates a premature translational stop signal (p.Tyr301*) in the BCS1L gene. It is expected to result in an absent or disrupted protein product. This variant is not present in population databases (ExAC no frequency). This variant has not been reported in the literature in individuals with BCS1L-related conditions. Loss-of-function variants in BCS1L are known to be pathogenic (PMID: 17314340, 25895478). For these reasons, this variant has been classified as Pathogenic.

Literature cited by the submitters: PubMed 17314340; PubMed 25895478.